The following is an entry in ClinVar:

ClinVar aggregate classification (germline): Uncertain significance. Review status: criteria provided, multiple submitters, no conflicts (2 of 4 stars). 3 submissions from 3 submitters: Uncertain significance (3). Last evaluated 2026-01-23.

Conditions:
Hyper-IgM syndrome type 5 (HIGM5). Also called: Hyper-IgM Immunodeficiency Syndrome, Type 5. Identifiers: Orphanet 101092, MedGen C1720958, MONDO:0011971, OMIM 608106.

Allele frequency attached by ClinVar (database versions not stated): gnomAD exomes 0.00003 and 0.00007; ExAC 0.00007; gnomAD 0.00016 and 0.00018; TOPMed 0.00026; ESP Exome Variant Server 0.00038.
gnomAD v4.1: 70 of 1,613,910 alleles (0.0043%); highest among the groups gnomAD compares: African/African-American, 0.085%; no homozygotes.

Submissions (3):

Women's Health and Genetics/Laboratory Corporation of America, LabCorp
Classification: Uncertain significance. Last evaluated: 2026-01-23. Review status: criteria provided, single submitter. Criteria: LabCorp Variant Classification Summary - May 2015. Collection method: clinical testing. Allele origin: germline.

Ambry Genetics
Classification: Uncertain significance. Last evaluated: 2025-08-09. Review status: criteria provided, single submitter. Criteria: Ambry Variant Classification Scheme 2023. Collection method: clinical testing. Allele origin: germline.

Labcorp Genetics (formerly Invitae), Labcorp
Classification: Uncertain significance for Hyper-IgM syndrome type 5. Last evaluated: 2022-08-19. Review status: criteria provided, single submitter. Criteria: Invitae Variant Classification Sherloc (09022015). Collection method: clinical testing. Allele origin: germline.
Comment: This sequence change replaces proline, which is neutral and non-polar, with alanine, which is neutral and non-polar, at codon 172 of the UNG protein (p.Pro172Ala). This variant is present in population databases (rs143527092, gnomAD 0.07%). This variant has not been reported in the literature in individuals affected with UNG-related conditions. ClinVar contains an entry for this variant (Variation ID: 1373714). Algorithms developed to predict the effect of missense changes on protein structure and function are either unavailable or do not agree on the potential impact of this missense change (SIFT: "Tolerated"; PolyPhen-2: "Possibly Damaging"; Align-GVGD: "Class C0"). In summary, the available evidence is currently insufficient to determine the role of this variant in disease. Therefore, it has been classified as a Variant of Uncertain Significance.

NM_080911.3(UNG):c.514C>G (p.Pro172Ala)

Gene: UNG (uracil DNA glycosylase; plus strand). Cytogenetic location: 12q24.11.
Variant type: single nucleotide variant.
Coding change: c.514C>G on transcript NM_080911.3 (MANE Select); coding-DNA position 514, C replaced by G.
Protein change: p.Pro172Ala; replaces proline 172 with alanine.
Molecular consequence: missense variant.
Genome position (GRCh38, 1-based): chr12:109,101,980, C>G. VCF-style: chr12-109101980-C-G. GRCh37 (hg19) VCF-style: chr12-109539785-C-G.
Other names: c.487C>G, p.Pro163Ala (NM_003362.4); c.514C>G (NM_080911.2); short protein forms P163A, P172A.
Identifiers: ClinVar variation 1373714 (VCV001373714.8), dbSNP rs143527092, ClinGen allele CA6772645.
Genomic context (GRCh38, chr12:109,101,980, plus strand): 5'-GGACAGGATCCATATCATGGACCTAATCAAGCTCACGGGCTCTGCTTTAGTGTTCAAAGG[C>G]CTGTTCCGCCTCCGCCCAGGTACAGTTGCTTTACAGGTGACTGCAGTCCAGACATGATTC-3'
Protein context (NP_550433.1, residues 162-182): AHGLCFSVQR[Pro172Ala]VPPPPSLENI